The following is an entry in ClinVar:

NM_001172509.2(SATB2):c.1280T>C (p.Val427Ala)

Gene: SATB2 (SATB homeobox 2; minus strand). Cytogenetic location: 2q33.1.
Variant type: single nucleotide variant.
Coding change: c.1280T>C on transcript NM_001172509.2 (MANE Select); coding-DNA position 1280, T replaced by C.
Protein change: p.Val427Ala; replaces valine 427 with alanine.
Molecular consequence: missense variant.
Genome position (GRCh38, 1-based): chr2:199,328,804, A>G on the plus strand (T>C on the coding strand, the complement: SATB2 is on the minus strand). VCF-style: chr2-199328804-A-G. GRCh37 (hg19) VCF-style: chr2-200193527-A-G.
Other names: c.1280T>C, p.Val427Ala (NM_001172517.1, NM_015265.4); short protein forms V427A.
Identifiers: ClinVar variation 1389814 (VCV001389814.6), dbSNP rs2105795391, ClinGen allele CA350386360.

ClinVar aggregate classification (germline): Uncertain significance (1 of 4 stars; one submission).

Conditions:
Chromosome 2q32-q33 deletion syndrome (GLASS). Also called: 2q33.1 deletion syndrome; Glass syndrome. Identifiers: Orphanet 251019, MedGen C2676739, MONDO:0012864, OMIM 612313.

Submission:

Labcorp Genetics (formerly Invitae), Labcorp
Classification: Uncertain significance for Chromosome 2q32-q33 deletion syndrome. Last evaluated: 2024-12-02. Review status: criteria provided, single submitter. Criteria: Invitae Variant Classification Sherloc (09022015). Collection method: clinical testing. Allele origin: germline.
Comment: This sequence change replaces valine, which is neutral and non-polar, with alanine, which is neutral and non-polar, at codon 427 of the SATB2 protein (p.Val427Ala). This variant is not present in population databases (gnomAD no frequency). This variant has not been reported in the literature in individuals affected with SATB2-related conditions. ClinVar contains an entry for this variant (Variation ID: 1389814). Invitae Evidence Modeling of protein sequence and biophysical properties (such as structural, functional, and spatial information, amino acid conservation, physicochemical variation, residue mobility, and thermodynamic stability) indicates that this missense variant is not expected to disrupt SATB2 protein function with a negative predictive value of 80%. In summary, the available evidence is currently insufficient to determine the role of this variant in disease. Therefore, it has been classified as a Variant of Uncertain Significance.